The following is an entry in ClinVar:

ClinVar aggregate classification (germline): Uncertain significance (1 of 4 stars; one submission).

Conditions:
Lipodystrophy, partial, acquired, susceptibility to (APLD). Also called: APLD, SUSCEPTIBILITY TO. Identifiers: MedGen C3887501, MONDO:0100476, OMIM 608709.
Progressive myoclonic epilepsy type 9. Identifiers: Orphanet 457265, MedGen C4225289, MONDO:0014685, OMIM 616540.

Allele frequency attached by ClinVar (database versions not stated): gnomAD exomes below 0.00001; TOPMed below 0.00001; gnomAD 0.00001.
gnomAD v4.1: 1 of 1,611,828 alleles (0.000062%); highest among the groups gnomAD compares: Admixed American, 0.0017%; no homozygotes.

Submission:

Labcorp Genetics (formerly Invitae), Labcorp
Classification: Uncertain significance for Progressive myoclonic epilepsy type 9; Lipodystrophy, partial, acquired, susceptibility to. Last evaluated: 2023-12-11. Review status: criteria provided, single submitter. Criteria: Invitae Variant Classification Sherloc (09022015). Collection method: clinical testing. Allele origin: germline.
Comment: This sequence change replaces leucine, which is neutral and non-polar, with methionine, which is neutral and non-polar, at codon 152 of the LMNB2 protein (p.Leu152Met). This variant is present in population databases (no rsID available, gnomAD 0.003%). This variant has not been reported in the literature in individuals affected with LMNB2-related conditions. ClinVar contains an entry for this variant (Variation ID: 1351060). Advanced modeling of protein sequence and biophysical properties (such as structural, functional, and spatial information, amino acid conservation, physicochemical variation, residue mobility, and thermodynamic stability) performed at Invitae indicates that this missense variant is expected to disrupt LMNB2 protein function with a positive predictive value of 80%. In summary, the available evidence is currently insufficient to determine the role of this variant in disease. Therefore, it has been classified as a Variant of Uncertain Significance.

NM_032737.4(LMNB2):c.454C>A (p.Leu152Met)

Gene: LMNB2 (lamin B2; minus strand). Cytogenetic location: 19p13.3.
Variant type: single nucleotide variant.
Coding change: c.454C>A on transcript NM_032737.4 (MANE Select); coding-DNA position 454, C replaced by A.
Protein change: p.Leu152Met; replaces leucine 152 with methionine.
Molecular consequence: missense variant.
Genome position (GRCh38, 1-based): chr19:2,438,479, G>T on the plus strand (C>A on the coding strand, the complement: LMNB2 is on the minus strand). VCF-style: chr19-2438479-G-T. GRCh37 (hg19) VCF-style: chr19-2438477-G-T.
Other names: short protein forms L152M.
Identifiers: ClinVar variation 1351060 (VCV001351060.8), dbSNP rs1158079562, ClinGen allele CA403257835.